The following is an entry in ClinVar:

ClinVar aggregate classification (germline): Uncertain significance (1 of 4 stars; one submission).

Allele frequency attached by ClinVar (database versions not stated): gnomAD exomes below 0.00001; ExAC 0.00001.
gnomAD v4.1: 1 of 1,614,150 alleles (0.000062%); highest among the groups gnomAD compares: Non-Finnish European, 0.000085%; no homozygotes.

Submission:

Labcorp Genetics (formerly Invitae), Labcorp
Classification: Uncertain significance. Last evaluated: 2022-03-25. Review status: criteria provided, single submitter. Criteria: Invitae Variant Classification Sherloc (09022015). Collection method: clinical testing. Allele origin: germline.
Comment: In summary, the available evidence is currently insufficient to determine the role of this variant in disease. Therefore, it has been classified as a Variant of Uncertain Significance. Algorithms developed to predict the effect of missense changes on protein structure and function output the following: SIFT: "Tolerated"; PolyPhen-2: "Benign"; Align-GVGD: "Class C0". The arginine amino acid residue is found in multiple mammalian species, which suggests that this missense change does not adversely affect protein function. This variant has not been reported in the literature in individuals affected with NAXD-related conditions. This variant is present in population databases (rs767063163, gnomAD 0.0009%). This sequence change replaces histidine, which is basic and polar, with arginine, which is basic and polar, at codon 228 of the NAXD protein (p.His228Arg).

NM_001242882.2(NAXD):c.629A>G (p.His210Arg)

Gene: NAXD (NAD(P)HX dehydratase; plus strand). Cytogenetic location: 13q34.
Variant type: single nucleotide variant.
Coding change: c.629A>G on transcript NM_001242882.2 (MANE Select); coding-DNA position 629, A replaced by G.
Protein change: p.His210Arg; replaces histidine 210 with arginine.
Molecular consequence: missense variant. On other transcripts: non-coding transcript variant (2).
Genome position (GRCh38, 1-based): chr13:110,635,499, A>G. VCF-style: chr13-110635499-A-G. GRCh37 (hg19) VCF-style: chr13-111287846-A-G.
Other names: c.683A>G, p.His228Arg (NM_001242881.2, NM_018210.4); c.353A>G, p.His118Arg (NM_001242883.2); short protein forms H118R, H228R, H210R.
Identifiers: ClinVar variation 2069665 (VCV002069665.4), dbSNP rs767063163, ClinGen allele CA7051305.